The following is an entry in ClinVar:

ClinVar aggregate classification (germline): Uncertain significance (1 of 4 stars; one submission).

Conditions:
Intellectual developmental disorder, autosomal recessive 58. Also called: Intellectual disability, autosomal recessive 58. Identifiers: MedGen C4310641, MONDO:0014996, OMIM 617270.

Allele frequency attached by ClinVar (database versions not stated): gnomAD exomes below 0.00001; gnomAD 0.00001; TOPMed 0.00001.
gnomAD v4.1: 8 of 1,613,714 alleles (0.0005%); highest among the groups gnomAD compares: Non-Finnish European, 0.00068%; no homozygotes.

Submission:

Baylor Genetics
Classification: Uncertain significance for Intellectual developmental disorder, autosomal recessive 58. Last evaluated: 2018-06-21. Review status: criteria provided, single submitter. Criteria: ACMG Guidelines, 2015. Collection method: clinical testing. Allele origin: unknown. Affected: yes.
Comment: This variant was determined to be of uncertain significance according to ACMG Guidelines, 2015 [PMID:25741868].

NM_018255.4(ELP2):c.918A>T (p.Arg306Ser)

Gene: ELP2 (elongator acetyltransferase complex subunit 2; plus strand). Cytogenetic location: 18q12.2.
Variant type: single nucleotide variant.
Coding change: c.918A>T on transcript NM_018255.4 (MANE Select); coding-DNA position 918, A replaced by T.
Protein change: p.Arg306Ser; replaces arginine 306 with serine.
Molecular consequence: missense variant. On other transcripts: non-coding transcript variant (4).
Genome position (GRCh38, 1-based): chr18:36,145,973, A>T. VCF-style: chr18-36145973-A-T. GRCh37 (hg19) VCF-style: chr18-33725936-A-T.
Other names: c.1113A>T, p.Arg371Ser (NM_001242875.3); c.1035A>T, p.Arg345Ser (NM_001242876.3, NM_001324466.2); c.840A>T, p.Arg280Ser (NM_001242877.3, NM_001242878.3); c.708A>T, p.Arg236Ser (NM_001242879.3); c.918A>T, p.Arg306Ser (NM_001324465.2, NM_001324467.2); c.471A>T, p.Arg157Ser (NM_001324468.2); short protein forms R306S, R345S, R157S, R236S, R280S, R371S.
Identifiers: ClinVar variation 1033373 (VCV001033373.1), dbSNP rs1389450136, ClinGen allele CA402204917.